The following is an entry in ClinVar:

ClinVar aggregate classification (germline): Uncertain significance (1 of 4 stars; one submission).

Conditions:
Inborn genetic diseases. Identifiers: MedGen C0950123, MeSH D030342.

gnomAD v4.1: 9 of 1,482,320 alleles (0.00061%); highest among the groups gnomAD compares: African/African-American, 0.0015%; no homozygotes.

Submission:

Ambry Genetics
Classification: Uncertain significance for Inborn genetic diseases. Last evaluated: 2025-10-14. Review status: criteria provided, single submitter. Criteria: Ambry Variant Classification Scheme 2023. Collection method: clinical testing. Allele origin: germline.
Comment: The c.7235G>A (p.G2412D) alteration is located in exon 47 (coding exon 47) of the CACNA1A gene. This alteration results from a G to A substitution at nucleotide position 7235, causing the glycine (G) at amino acid position 2412 to be replaced by an aspartic acid (D). Based on data from gnomAD, the A allele has an overall frequency of 0.001% (1/94410) total alleles studied. The highest observed frequency was 0.006% (1/18070) of South Asian alleles. Based on insufficient or conflicting evidence, the clinical significance of this alteration remains unclear.

NM_001127222.2(CACNA1A):c.7235G>A (p.Gly2412Asp)

Gene: CACNA1A (calcium voltage-gated channel subunit alpha1 A; minus strand). Cytogenetic location: 19p13.13.
Variant type: single nucleotide variant.
Coding change: c.7235G>A on transcript NM_001127222.2 (MANE Select); coding-DNA position 7235, G replaced by A.
Protein change: p.Gly2412Asp; replaces glycine 2412 with aspartic acid.
Molecular consequence: missense variant. On other transcripts: 3 prime UTR variant (3).
Genome position (GRCh38, 1-based): chr19:13,207,599, C>T on the plus strand (G>A on the coding strand, the complement: CACNA1A is on the minus strand). VCF-style: chr19-13207599-C-T. GRCh37 (hg19) VCF-style: chr19-13318413-C-T.
Other names: c.*447G>A (NM_000068.4, NM_001127221.2, NM_001174080.2); c.7253G>A, p.Gly2418Asp (NM_023035.3); short protein forms G2412D, G2418D.
Identifiers: ClinVar variation 4602358 (VCV004602358.1).